The following is an entry in ClinVar:

ClinVar aggregate classification (germline): Conflicting classifications of pathogenicity. Review status: criteria provided, conflicting classifications (1 of 4 stars). 2 submissions from 2 submitters: Uncertain significance (1); Likely benign (1). Last evaluated 2025-10-14.

Conditions:
Dextro-looped transposition of the great arteries. Also called: Dextrotransposition of the great arteries. Identifiers: Orphanet 860, MedGen C3531771, MONDO:0019443, OMIM 608808, HP:0031348.
Inborn genetic diseases. Identifiers: MedGen C0950123, MeSH D030342.

Allele frequency attached by ClinVar (database versions not stated): TOPMed 0.00004; gnomAD exomes 0.00006 and 0.00004; gnomAD 0.00002; ExAC 0.00007.
gnomAD v4.1: 66 of 1,613,994 alleles (0.0041%); highest among the groups gnomAD compares: Non-Finnish European, 0.0053%; no homozygotes.

Submissions (2):

Labcorp Genetics (formerly Invitae), Labcorp
Classification: Uncertain significance for Dextro-looped transposition of the great arteries. Last evaluated: 2025-10-14. Review status: criteria provided, single submitter. Criteria: Invitae Variant Classification Sherloc (09022015). Collection method: clinical testing. Allele origin: germline.
Comment: This sequence change replaces asparagine, which is neutral and polar, with serine, which is neutral and polar, at codon 1824 of the MED13L protein (p.Asn1824Ser). This variant is present in population databases (rs763491465, gnomAD 0.01%), and has an allele count higher than expected for a pathogenic variant. This variant has not been reported in the literature in individuals affected with MED13L-related conditions. ClinVar contains an entry for this variant (Variation ID: 1062651). Invitae Evidence Modeling of protein sequence and biophysical properties (such as structural, functional, and spatial information, amino acid conservation, physicochemical variation, residue mobility, and thermodynamic stability) indicates that this missense variant is not expected to disrupt MED13L protein function with a negative predictive value of 80%. In summary, the available evidence is currently insufficient to determine the role of this variant in disease. Therefore, it has been classified as a Variant of Uncertain Significance.

Ambry Genetics
Classification: Likely benign for Inborn genetic diseases. Last evaluated: 2022-05-01. Review status: criteria provided, single submitter. Criteria: Ambry Variant Classification Scheme 2023. Collection method: clinical testing. Allele origin: germline.

NM_015335.5(MED13L):c.5471A>G (p.Asn1824Ser)

Gene: MED13L (mediator complex subunit 13L; minus strand). Cytogenetic location: 12q24.21.
Variant type: single nucleotide variant.
Coding change: c.5471A>G on transcript NM_015335.5 (MANE Select); coding-DNA position 5471, A replaced by G.
Protein change: p.Asn1824Ser; replaces asparagine 1824 with serine.
Molecular consequence: missense variant.
Genome position (GRCh38, 1-based): chr12:115,975,632, T>C on the plus strand (A>G on the coding strand, the complement: MED13L is on the minus strand). VCF-style: chr12-115975632-T-C. GRCh37 (hg19) VCF-style: chr12-116413437-T-C.
Other names: c.5471A>G (NM_015335.4); short protein forms N1824S.
Identifiers: ClinVar variation 1062651 (VCV001062651.10), dbSNP rs763491465, ClinGen allele CA6810583.
Genomic context (GRCh38, chr12:115,975,632, plus strand): 5'-GTGCAGGAAGCCAAAAGCCAGCGCTGGTCGTGAGACAGACAATAGCCCACGAAGAGCACA[T>C]TGTATTTCTGGCTCGCCTCACCAAACGTCTCTCCCAGCTCTGTCTGCTTGTCTTTGATTG-3'
Protein context (NP_056150.1, residues 1814-1834): ETFGEASQKY[Asn1824Ser]VLFVGYCLSH